The following is an entry in ClinVar:

NM_001042492.3(NF1):c.3501A>T (p.Leu1167Phe)

Gene: NF1 (neurofibromin 1; plus strand). Cytogenetic location: 17q11.2.
Variant type: single nucleotide variant.
Coding change: c.3501A>T on transcript NM_001042492.3 (MANE Select); coding-DNA position 3501, A replaced by T.
Protein change: p.Leu1167Phe; replaces leucine 1167 with phenylalanine.
Molecular consequence: missense variant.
Genome position (GRCh38, 1-based): chr17:31,233,006, A>T. VCF-style: chr17-31233006-A-T. GRCh37 (hg19) VCF-style: chr17-29560024-A-T.
Other names: c.3501A>T, p.Leu1167Phe (NM_000267.4); short protein forms L1167F.
Identifiers: ClinVar variation 4036472 (VCV004036472.1).

ClinVar aggregate classification (germline): Uncertain significance (1 of 4 stars; one submission).

Conditions:
Cardiovascular phenotype. Identifiers: MedGen CN230736.
Hereditary cancer-predisposing syndrome. Also called: Neoplastic Syndromes, Hereditary; Tumor predisposition; Hereditary neoplastic syndrome; Hereditary Cancer Syndrome. Identifiers: Orphanet 140162, MedGen C0027672, MeSH D009386, MONDO:0015356.

Submission:

Ambry Genetics
Classification: Uncertain significance for Cardiovascular phenotype; Hereditary cancer-predisposing syndrome. Last evaluated: 2025-06-02. Review status: criteria provided, single submitter. Criteria: Ambry Variant Classification Scheme 2023. Collection method: clinical testing. Allele origin: germline.
Comment: The p.L1167F variant (also known as c.3501A>T), located in coding exon 27 of the NF1 gene, results from an A to T substitution at nucleotide position 3501. The leucine at codon 1167 is replaced by phenylalanine, an amino acid with highly similar properties. This amino acid position is conserved. In addition, the in silico prediction for this alteration is inconclusive. Based on the available evidence, the clinical significance of this variant remains unclear.